The following is an entry in ClinVar:

ClinVar aggregate classification (germline): Uncertain significance (1 of 4 stars; one submission).

Submission:

Women's Health and Genetics/Laboratory Corporation of America, LabCorp
Classification: Uncertain significance. Last evaluated: 2024-05-03. Review status: criteria provided, single submitter. Criteria: LabCorp Variant Classification Summary - May 2015. Collection method: clinical testing. Allele origin: germline.
Comment: Variant summary: TRIO c.6638T>C (p.Leu2213Pro) results in a non-conservative amino acid change located in the Pleckstrin homology domain of the encoded protein sequence. Four of five in-silico tools predict a damaging effect of the variant on protein function. The variant was absent in 244818 control chromosomes. The available data on variant occurrences in the general population are insufficient to allow any conclusion about variant significance. To our knowledge, no occurrence of c.6638T>C in individuals affected with TRIO-Related Intellectual Disability and no experimental evidence demonstrating its impact on protein function have been reported. No submitters have cited clinical-significance assessments for this variant to ClinVar. Based on the evidence outlined above, the variant was classified as uncertain significance.

NM_007118.4(TRIO):c.6638T>C (p.Leu2213Pro)

Gene: TRIO (trio Rho guanine nucleotide exchange factor; plus strand). Cytogenetic location: 5p15.2.
Variant type: single nucleotide variant.
Coding change: c.6638T>C on transcript NM_007118.4 (MANE Select); coding-DNA position 6638, T replaced by C.
Protein change: p.Leu2213Pro; replaces leucine 2213 with proline.
Molecular consequence: missense variant. On other transcripts: non-coding transcript variant (1).
Genome position (GRCh38, 1-based): chr5:14,482,754, T>C. VCF-style: chr5-14482754-T-C. GRCh37 (hg19) VCF-style: chr5-14482863-T-C.
Other names: short protein forms L2213P.
Identifiers: ClinVar variation 3336218 (VCV003336218.1).
Genomic context (GRCh38, chr5:14,482,754, plus strand): 5'-AGATCGTCATATTCAGCGAACCACTTGATAAAAAGAAGGGCTTCTCCATGCCGGGATTCC[T>C]GTTTAAGAACAGTATCAAGGTAACGTGTGTCTCTGTGTGATTTCTCTGTGCCAGCGCATG-3'
Protein context (NP_009049.2, residues 2203-2223): KKKGFSMPGF[Leu2213Pro]FKNSIKVSCL